The following is an entry in ClinVar:

ClinVar aggregate classification (germline): Uncertain significance. Review status: criteria provided, multiple submitters, no conflicts (2 of 4 stars). 2 submissions from 2 submitters: Uncertain significance (2). Last evaluated 2025-03-11.

Conditions:
Hereditary cancer-predisposing syndrome. Also called: Tumor predisposition; Hereditary Cancer Syndrome; Hereditary neoplastic syndrome; Neoplastic Syndromes, Hereditary. Identifiers: Orphanet 140162, MedGen C0027672, MeSH D009386, MONDO:0015356.
Peutz-Jeghers syndrome (PJS). Also called: POLYPOSIS, HAMARTOMATOUS INTESTINAL; POLYPS-AND-SPOTS SYNDROME; Peutz-Jeghers polyposis; Periorificial lentiginosis syndrome. Identifiers: Orphanet 2869, MedGen C0031269, MeSH D010580, MONDO:0008280, OMIM 175200.

Allele frequency attached by ClinVar (database versions not stated): TOPMed below 0.00001; gnomAD 0.00001.
gnomAD v4.1: 1 of 1,613,470 alleles (0.000062%); highest among the groups gnomAD compares: African/African-American, 0.0013%; no homozygotes.

Submissions (2):

Ambry Genetics
Classification: Uncertain significance for Hereditary cancer-predisposing syndrome. Last evaluated: 2025-03-11. Review status: criteria provided, single submitter. Criteria: Ambry Variant Classification Scheme 2023. Collection method: clinical testing. Allele origin: germline.
Comment: The p.E121K variant (also known as c.361G>A), located in coding exon 2 of the STK11 gene, results from a G to A substitution at nucleotide position 361. The glutamic acid at codon 121 is replaced by lysine, an amino acid with similar properties. This amino acid position is conserved. In addition, the in silico prediction for this alteration is inconclusive. Since supporting evidence is limited at this time, the clinical significance of this alteration remains unclear.

Labcorp Genetics (formerly Invitae), Labcorp
Classification: Uncertain significance for Peutz-Jeghers syndrome. Last evaluated: 2023-06-11. Review status: criteria provided, single submitter. Criteria: Invitae Variant Classification Sherloc (09022015). Collection method: clinical testing. Allele origin: germline.
Comment: ClinVar contains an entry for this variant (Variation ID: 2140093). In summary, the available evidence is currently insufficient to determine the role of this variant in disease. Therefore, it has been classified as a Variant of Uncertain Significance. Advanced modeling of protein sequence and biophysical properties (such as structural, functional, and spatial information, amino acid conservation, physicochemical variation, residue mobility, and thermodynamic stability) has been performed at Invitae for this missense variant, however the output from this modeling did not meet the statistical confidence thresholds required to predict the impact of this variant on STK11 protein function. This variant has not been reported in the literature in individuals affected with STK11-related conditions. This variant is not present in population databases (gnomAD no frequency). This sequence change replaces glutamic acid, which is acidic and polar, with lysine, which is basic and polar, at codon 121 of the STK11 protein (p.Glu121Lys).

NM_000455.5(STK11):c.361G>A (p.Glu121Lys)

Gene: STK11 (serine/threonine kinase 11; plus strand). Cytogenetic location: 19p13.3.
Variant type: single nucleotide variant.
Coding change: c.361G>A on transcript NM_000455.5 (MANE Select); coding-DNA position 361, G replaced by A.
Protein change: p.Glu121Lys; replaces glutamic acid 121 with lysine.
Molecular consequence: missense variant.
Genome position (GRCh38, 1-based): chr19:1,218,487, G>A. VCF-style: chr19-1218487-G-A. GRCh37 (hg19) VCF-style: chr19-1218486-G-A.
Other names: c.361G>A, p.Glu121Lys (NM_001407255.1); short protein forms E121K.
Identifiers: ClinVar variation 2140093 (VCV002140093.7), dbSNP rs1316669124, ClinGen allele CA402947868.